The following is an entry in ClinVar:

NM_000284.4(PDHA1):c.1087_1119dup (p.Pro373_Pro374insGluLeuGlyTyrHisIleTyrSerSerAspPro)

Gene: PDHA1 (pyruvate dehydrogenase E1 subunit alpha 1; plus strand). Cytogenetic location: Xp22.12.
Variant type: Duplication.
Coding change: c.1087_1119dup on transcript NM_000284.4 (MANE Select); coding-DNA positions 1087 to 1119, 33 bases duplicated.
Protein change: p.Pro373_Pro374insGluLeuGlyTyrHisIleTyrSerSerAspPro.
Molecular consequence: inframe insertion.
Genome position (GRCh38, 1-based): chrX:19,359,567-19,359,599, 33 bases duplicated; duplicating any 33 consecutive bases within chrX:19,359,566-19,359,599 gives the same sequence; the c. name uses the placement nearest the transcript's 3' end. GRCh37 (hg19): chrX:19,377,685-19,377,717.
Other names: c.1108_1140dup, p.Pro380_Pro381insGluLeuGlyTyrHisIleTyrSerSerAspPro (NM_001173455.2); c.994_1026dup, p.Pro342_Pro343insGluLeuGlyTyrHisIleTyrSerSerAspPro (NM_001173456.2); c.1201_1233dup, p.Pro411_Pro412insGluLeuGlyTyrHisIleTyrSerSerAspPro (NM_001173454.2).
Identifiers: ClinVar variation 4070449 (VCV004070449.1).

ClinVar aggregate classification (germline): Pathogenic (0 of 4 stars; one submission).

Conditions:
Pyruvate dehydrogenase E1-alpha deficiency (PDHAD). Also called: ATAXIA, INTERMITTENT, WITH PYRUVATE DEHYDROGENASE DEFICIENCY; ATAXIA WITH LACTIC ACIDOSIS I; ATAXIA, INTERMITTENT, WITH ABNORMAL PYRUVATE METABOLISM; Ataxia, intermittent, with pyruvate dehydrogenase, or decarboxylase, deficiency. Identifiers: Orphanet 79243, MedGen C1839413, MONDO:0010717, OMIM 312170.

Submission:

PDHA1 Study Group, University Children’s Hospital, Paracelsus Medical University
Classification: Pathogenic for Pyruvate dehydrogenase E1-alpha deficiency. Last evaluated: 2024-10-15. Review status: no assertion criteria provided. Collection method: research. Allele origin: de novo. Affected: yes. Observed: 1 variant allele.
Comment: The NM_000284.3:c.1087_1119dup (p.Glu363_Pro373dup) change is a deletion-insertion (delins) variant in PDHA1 gene. Among them, 1 case had confirmed de novo occurrence. The variant has been reported in 1 published case (PMIDs: 23572181). Last literature search: July 12, 2024. This variant is absent or extremely rare in population-based cohorts in the Genome Aggregation Database (gnomAD). Individuals harboring this variant presented with clinical features compatible with PDHA1-related PDHc deficiency. In summary, this variant meets criteria to be classified as pathogenic (P) for PDHA1-related PDHc deficiency based on the ACMG/AMP criteria applied: PS2, PM1, PM2, PM4, PM7 (last assessment October 15, 2024).

Literature cited by the submitters: PubMed 23572181; DOI 10.1093/brain/awaf430.